The following is an entry in ClinVar:

ClinVar aggregate classification (germline): Uncertain significance. Review status: criteria provided, multiple submitters, no conflicts (2 of 4 stars). 2 submissions from 2 submitters: Uncertain significance (2). Last evaluated 2023-10-02.

Conditions:
Wilson disease (WND). Also called: Wilson's disease. Identifiers: Orphanet 905, MedGen C0019202, MONDO:0010200, OMIM 277900. Disease mechanism: loss of function.

Allele frequency attached by ClinVar (database versions not stated): gnomAD exomes below 0.00001; TOPMed below 0.00001; ExAC 0.00001.
gnomAD v4.1: 2 of 1,614,200 alleles (0.00012%); highest among the groups gnomAD compares: Admixed American, 0.0017%; no homozygotes.

Submissions (2):

All of Us Research Program, National Institutes of Health
Classification: Uncertain significance for Wilson disease. Last evaluated: 2023-10-02. Review status: criteria provided, single submitter. Criteria: ACMG Guidelines, 2015. Collection method: clinical testing. Allele origin: germline. Inheritance: Autosomal recessive inheritance. Observed: 1 variant allele, 1 heterozygote.
Comment: This missense variant replaces histidine with tyrosine at codon 1207 of the ATP7B protein. Computational prediction suggests that this variant may not impact protein structure and function (internally defined REVEL score threshold <= 0.5, PMID: 27666373). To our knowledge, functional studies have not been reported for this variant. This variant has not been reported in individuals affected with ATP7B-related disorders in the literature. This variant has been identified in 1/249564 chromosomes in the general population by the Genome Aggregation Database (gnomAD). The available evidence is insufficient to determine the role of this variant in disease conclusively. Therefore, this variant is classified as a Variant of Uncertain Significance.

This study involves interpretation of variants in research participants for the purpose of population health screening. Participant phenotype was not available at the time of variant classification. Additional details can be found in publication PMID: 35346344, PMCID: PMC8962531

Labcorp Genetics (formerly Invitae), Labcorp
Classification: Uncertain significance for Wilson disease. Last evaluated: 2022-01-14. Review status: criteria provided, single submitter. Criteria: Invitae Variant Classification Sherloc (09022015). Collection method: clinical testing. Allele origin: germline.
Comment: Advanced modeling of protein sequence and biophysical properties (such as structural, functional, and spatial information, amino acid conservation, physicochemical variation, residue mobility, and thermodynamic stability) performed at Invitae indicates that this missense variant is not expected to disrupt ATP7B protein function. This variant has not been reported in the literature in individuals affected with ATP7B-related conditions. This variant is present in population databases (rs766820841, gnomAD 0.003%). This sequence change replaces histidine, which is basic and polar, with tyrosine, which is neutral and polar, at codon 1207 of the ATP7B protein (p.His1207Tyr). In summary, the available evidence is currently insufficient to determine the role of this variant in disease. Therefore, it has been classified as a Variant of Uncertain Significance.

NM_000053.4(ATP7B):c.3619C>T (p.His1207Tyr)

Gene: ATP7B (ATPase copper transporting beta; minus strand). Cytogenetic location: 13q14.3.
Variant type: single nucleotide variant.
Coding change: c.3619C>T on transcript NM_000053.4 (MANE Select); coding-DNA position 3619, C replaced by T.
Protein change: p.His1207Tyr; replaces histidine 1207 with tyrosine.
Molecular consequence: missense variant.
Genome position (GRCh38, 1-based): chr13:51,939,131, G>A on the plus strand (C>T on the coding strand, the complement: ATP7B is on the minus strand). VCF-style: chr13-51939131-G-A. GRCh37 (hg19) VCF-style: chr13-52513267-G-A.
Other names: c.2998C>T, p.His1000Tyr (NM_001005918.3); c.3286C>T, p.His1096Tyr (NM_001243182.2); c.3385C>T, p.His1129Tyr (NM_001330578.2); c.3367C>T, p.His1123Tyr (NM_001330579.2); short protein forms H1000Y, H1123Y, H1096Y, H1129Y, H1207Y.
Identifiers: ClinVar variation 1353545 (VCV001353545.9), dbSNP rs766820841, ClinGen allele CA6988622.
Genomic context (GRCh38, chr13:51,939,131, plus strand): 5'-CTGTCTTCCGGTTGTCCCCCGTGATCAGAACCACGTCCACACCCATGCTCTGCAGCGTGT[G>A]CACAGCCAGGGCAGCCTCCTGCTTGACAGCGTCTGCGATTGCGATCATCCCACAGAGCAC-3'
Protein context (NP_000044.2, residues 1197-1217): AVKQEAALAV[His1207Tyr]TLQSMGVDVV